The following is an entry in ClinVar:

ClinVar aggregate classification (germline): Conflicting classifications of pathogenicity. Review status: criteria provided, conflicting classifications (1 of 4 stars). 3 submissions from 3 submitters: Uncertain significance (2); Likely benign (1). Last evaluated 2025-08-09.

Conditions:
Hereditary nonpolyposis colorectal neoplasms. Identifiers: MedGen C0009405, MeSH D003123.
Hereditary cancer-predisposing syndrome. Also called: Hereditary Cancer Syndrome; Hereditary neoplastic syndrome; Neoplastic Syndromes, Hereditary; Tumor predisposition. Identifiers: Orphanet 140162, MedGen C0027672, MeSH D009386, MONDO:0015356.

Allele frequency attached by ClinVar (database versions not stated): gnomAD exomes 0.00001; TOPMed 0.00006; gnomAD 0.00007.
gnomAD v4.1: 13 of 1,614,116 alleles (0.00081%); highest among the groups gnomAD compares: Admixed American, 0.022%; no homozygotes.

Submissions (3):

Labcorp Genetics (formerly Invitae), Labcorp
Classification: Likely benign for Hereditary nonpolyposis colorectal neoplasms. Last evaluated: 2025-08-09. Review status: criteria provided, single submitter. Criteria: Invitae Variant Classification Sherloc (09022015). Collection method: clinical testing. Allele origin: germline.

Ambry Genetics
Classification: Uncertain significance for Hereditary cancer-predisposing syndrome. Last evaluated: 2025-05-20. Review status: criteria provided, single submitter. Criteria: Ambry Variant Classification Scheme 2023. Collection method: clinical testing. Allele origin: germline.
Comment: The p.K324Q variant (also known as c.970A>C), located in coding exon 4 of the MSH6 gene, results from an A to C substitution at nucleotide position 970. The lysine at codon 324 is replaced by glutamine, an amino acid with similar properties. This amino acid position is conserved. In addition, the in silico prediction for this alteration is inconclusive. Since supporting evidence is limited at this time, the clinical significance of this alteration remains unclear.

Color Diagnostics, LLC DBA Color Health
Classification: Uncertain significance for Hereditary cancer-predisposing syndrome. Last evaluated: 2024-03-06. Review status: criteria provided, single submitter. Criteria: ACMG Guidelines, 2015. Collection method: clinical testing. Allele origin: germline.
Comment: This missense variant replaces lysine with glutamine at codon 324 of the MSH6 protein. Computational prediction suggests that this variant may not impact protein structure and function (internally defined REVEL score threshold <= 0.5, PMID: 27666373). Splice site prediction tools suggest that this variant may not impact RNA splicing. To our knowledge, functional studies have not been performed for this variant. This variant has not been reported in individuals affected with hereditary cancer in the literature. This variant has been identified in 3/251392 chromosomes in the general population by the Genome Aggregation Database (gnomAD). The available evidence is insufficient to determine the role of this variant in disease conclusively. Therefore, this variant is classified as a Variant of Uncertain Significance.

NM_000179.3(MSH6):c.970A>C (p.Lys324Gln)

Gene: MSH6 (mutS homolog 6; plus strand). Cytogenetic location: 2p16.3.
Variant type: single nucleotide variant.
Coding change: c.970A>C on transcript NM_000179.3 (MANE Select); coding-DNA position 970, A replaced by C.
Protein change: p.Lys324Gln; replaces lysine 324 with glutamine.
Molecular consequence: missense variant.
Genome position (GRCh38, 1-based): chr2:47,798,953, A>C. VCF-style: chr2-47798953-A-C. GRCh37 (hg19) VCF-style: chr2-48026092-A-C.
Other names: c.580A>C, p.Lys194Gln (NM_001281492.2); c.64A>C, p.Lys22Gln (NM_001281493.2, NM_001281494.2); short protein forms K324Q, K22Q, K194Q.
Identifiers: ClinVar variation 455360 (VCV000455360.16), dbSNP rs1413266657, ClinGen allele CA346740936.